The following is an entry in ClinVar:

ClinVar aggregate classification (germline): Uncertain significance (1 of 4 stars; one submission).

Submission:

Labcorp Genetics (formerly Invitae), Labcorp
Classification: Uncertain significance. Last evaluated: 2022-02-04. Review status: criteria provided, single submitter. Criteria: Invitae Variant Classification Sherloc (09022015). Collection method: clinical testing. Allele origin: germline.
Comment: Algorithms developed to predict the effect of missense changes on protein structure and function are either unavailable or do not agree on the potential impact of this missense change (SIFT: "Tolerated"; PolyPhen-2: "Possibly Damaging"; Align-GVGD: "Class C0"). This variant has not been reported in the literature in individuals affected with ABCC6-related conditions. This variant is not present in population databases (gnomAD no frequency). This sequence change replaces valine, which is neutral and non-polar, with leucine, which is neutral and non-polar, at codon 1295 of the ABCC6 protein (p.Val1295Leu). Algorithms developed to predict the effect of sequence changes on RNA splicing suggest that this variant may disrupt the consensus splice site. In summary, the available evidence is currently insufficient to determine the role of this variant in disease. Therefore, it has been classified as a Variant of Uncertain Significance.

NM_001171.6(ABCC6):c.3883G>C (p.Val1295Leu)

Gene: ABCC6 (ATP binding cassette subfamily C member 6; minus strand). Cytogenetic location: 16p13.11.
Variant type: single nucleotide variant.
Coding change: c.3883G>C on transcript NM_001171.6 (MANE Select); coding-DNA position 3883, G replaced by C.
Protein change: p.Val1295Leu; replaces valine 1295 with leucine.
Molecular consequence: missense variant. On other transcripts: non-coding transcript variant (1).
Genome position (GRCh38, 1-based): chr16:16,155,031, C>G on the plus strand (G>C on the coding strand, the complement: ABCC6 is on the minus strand). VCF-style: chr16-16155031-C-G. GRCh37 (hg19) VCF-style: chr16-16248888-C-G.
Other names: c.3541G>C, p.Val1181Leu (NM_001351800.1); short protein forms V1295L, V1181L.
Identifiers: ClinVar variation 1439246 (VCV001439246.7), dbSNP rs767119931, ClinGen allele CA394876310.